The following is an entry in ClinVar:

ClinVar aggregate classification (germline): Conflicting classifications of pathogenicity. Review status: criteria provided, conflicting classifications (1 of 4 stars). 4 submissions from 4 submitters: Uncertain significance (2); Likely benign (1). 1 of the submissions does not count toward it. Last evaluated 2025-05-30.

Conditions:
Kabuki syndrome. Also called: NIIKAWA-KUROKI SYNDROME; Kabuki make-up syndrome. Identifiers: Orphanet 2322, MedGen C0796004, MONDO:0016512.
Inborn genetic diseases. Identifiers: MedGen C0950123, MeSH D030342.
KMT2D-related disorder. Also called: KMT2D-Related Disorders.

Allele frequency attached by ClinVar (database versions not stated): gnomAD exomes below 0.00001; gnomAD 0.00001; TOPMed 0.00004.
gnomAD v4.1: 5 of 1,613,204 alleles (0.00031%); highest among the groups gnomAD compares: Admixed American, 0.005%; no homozygotes.

Submissions (4):

Labcorp Genetics (formerly Invitae), Labcorp
Classification: Likely benign for Kabuki syndrome. Last evaluated: 2025-05-30. Review status: criteria provided, single submitter. Criteria: Invitae Variant Classification Sherloc (09022015). Collection method: clinical testing. Allele origin: germline.

Ambry Genetics
Classification: Uncertain significance for Inborn genetic diseases. Last evaluated: 2024-01-02. Review status: criteria provided, single submitter. Criteria: Ambry Variant Classification Scheme 2023. Collection method: clinical testing. Allele origin: germline.

GeneDx
Classification: Uncertain significance. Last evaluated: 2020-12-21. Review status: criteria provided, single submitter. Criteria: GeneDx Variant Classification Process June 2021. Collection method: clinical testing. Allele origin: germline. Affected: yes.
Comment: In silico analysis supports that this missense variant has a deleterious effect on protein structure/function; Has not been previously published as pathogenic or benign to our knowledge

PreventionGenetics, part of Exact Sciences
Classification: Uncertain significance for KMT2D-related condition. Last evaluated: 2024-05-31. Review status: no assertion criteria provided. Collection method: clinical testing. Allele origin: germline. Not counted in ClinVar's aggregate classification.
Comment: The KMT2D c.6223A>C variant is predicted to result in the amino acid substitution p.Lys2075Gln. To our knowledge, this variant has not been reported in the literature. This variant is reported in 0.0029% of alleles in individuals of Latino descent in gnomAD. At this time, the clinical significance of this variant is uncertain due to the absence of conclusive functional and genetic evidence.

NM_003482.4(KMT2D):c.6223A>C (p.Lys2075Gln)

Gene: KMT2D (lysine methyltransferase 2D; minus strand). Cytogenetic location: 12q13.12.
Variant type: single nucleotide variant.
Coding change: c.6223A>C on transcript NM_003482.4 (MANE Select); coding-DNA position 6223, A replaced by C.
Protein change: p.Lys2075Gln; replaces lysine 2075 with glutamine.
Molecular consequence: missense variant.
Genome position (GRCh38, 1-based): chr12:49,041,666, T>G on the plus strand (A>C on the coding strand, the complement: KMT2D is on the minus strand). VCF-style: chr12-49041666-T-G. GRCh37 (hg19) VCF-style: chr12-49435449-T-G.
Other names: short protein forms K2075Q.
Identifiers: ClinVar variation 1313716 (VCV001313716.10), dbSNP rs1449262096, ClinGen allele CA384625500.